The following is an entry in ClinVar:

NM_018557.3(LRP1B):c.2532A>G (p.Ile844Met)

Gene: LRP1B (LDL receptor related protein 1B; minus strand). Cytogenetic location: 2q22.1.
Variant type: single nucleotide variant.
Coding change: c.2532A>G on transcript NM_018557.3 (MANE Select); coding-DNA position 2532, A replaced by G.
Protein change: p.Ile844Met; replaces isoleucine 844 with methionine.
Molecular consequence: missense variant.
Genome position (GRCh38, 1-based): chr2:140,994,107, T>C on the plus strand (A>G on the coding strand, the complement: LRP1B is on the minus strand). VCF-style: chr2-140994107-T-C. GRCh37 (hg19) VCF-style: chr2-141751676-T-C.
Other names: short protein forms I844M.
Identifiers: ClinVar variation 777368 (VCV000777368.6), dbSNP rs147402550, ClinGen allele CA1895706.

ClinVar aggregate classification (germline): Benign. Review status: criteria provided, multiple submitters, no conflicts (2 of 4 stars). 3 submissions from 3 submitters: Benign (2). 1 of the submissions does not count toward it. Last evaluated 2018-05-23.

Conditions:
LRP1B-related disorder. Also called: LRP1B-related condition.

Allele frequency attached by ClinVar (database versions not stated): ESP Exome Variant Server 0.00284; gnomAD 0.00284 and 0.00168; gnomAD exomes 0.00593; ExAC 0.00630; 1000 Genomes Project 30x 0.01077; 1000 Genomes Project 0.01178; TOPMed 0.00206.
gnomAD v4.1: 7,606 of 1,612,528 alleles (0.47%); highest among the groups gnomAD compares: South Asian, 3.5%; 94 homozygotes.

Submissions (3):

Labcorp Genetics (formerly Invitae), Labcorp
Classification: Benign. Last evaluated: 2018-05-23. Review status: criteria provided, single submitter. Criteria: Invitae Variant Classification Sherloc (09022015). Collection method: clinical testing. Allele origin: germline.

Breakthrough Genomics
Classification: Benign. Review status: criteria provided, single submitter. Criteria: ACMG Guidelines, 2015. Collection method: not provided. Allele origin: germline. Inheritance: Unknown mechanism. Affected: yes.

PreventionGenetics, part of Exact Sciences
Classification: Benign for LRP1B-related condition. Last evaluated: 2019-04-05. Review status: no assertion criteria provided. Collection method: clinical testing. Allele origin: germline. Not counted in ClinVar's aggregate classification.
Comment: This variant is classified as benign based on ACMG/AMP sequence variant interpretation guidelines (Richards et al. 2015 PMID: 25741868, with internal and published modifications).